The following is an entry in ClinVar:

ClinVar aggregate classification (germline): Uncertain significance (1 of 4 stars; one submission).

gnomAD v4.1: 1 of 1,542,672 alleles (0.000065%); highest among the groups gnomAD compares: Non-Finnish European, 0.000087%; no homozygotes.

Submission:

Labcorp Genetics (formerly Invitae), Labcorp
Classification: Uncertain significance. Last evaluated: 2023-11-28. Review status: criteria provided, single submitter. Criteria: Invitae Variant Classification Sherloc (09022015). Collection method: clinical testing. Allele origin: germline.
Comment: This sequence change replaces proline, which is neutral and non-polar, with arginine, which is basic and polar, at codon 318 of the CARMIL2 protein (p.Pro318Arg). This variant is not present in population databases (gnomAD no frequency). This variant has not been reported in the literature in individuals affected with CARMIL2-related conditions. ClinVar contains an entry for this variant (Variation ID: 1360959). Advanced modeling of protein sequence and biophysical properties (such as structural, functional, and spatial information, amino acid conservation, physicochemical variation, residue mobility, and thermodynamic stability) performed at Invitae indicates that this missense variant is not expected to disrupt CARMIL2 protein function with a negative predictive value of 80%. In summary, the available evidence is currently insufficient to determine the role of this variant in disease. Therefore, it has been classified as a Variant of Uncertain Significance.

NM_001013838.3(CARMIL2):c.953C>G (p.Pro318Arg)

Gene: CARMIL2 (capping protein regulator and myosin 1 linker 2; plus strand). Cytogenetic location: 16q22.1.
Variant type: single nucleotide variant.
Coding change: c.953C>G on transcript NM_001013838.3 (MANE Select); coding-DNA position 953, C replaced by G.
Protein change: p.Pro318Arg; replaces proline 318 with arginine.
Molecular consequence: missense variant.
Genome position (GRCh38, 1-based): chr16:67,647,761, C>G. VCF-style: chr16-67647761-C-G. GRCh37 (hg19) VCF-style: chr16-67681664-C-G.
Other names: c.953C>G, p.Pro318Arg (NM_001317026.3); short protein forms P318R.
Identifiers: ClinVar variation 1360959 (VCV001360959.8), dbSNP rs547647271, ClinGen allele CA396333813.